The following is an entry in ClinVar:

NM_001099274.3(TINF2):c.315G>A (p.Arg105=)

Gene: TINF2 (TERF1 interacting nuclear factor 2; minus strand). Cytogenetic location: 14q12.
Variant type: single nucleotide variant.
Coding change: c.315G>A on transcript NM_001099274.3 (MANE Select); coding-DNA position 315, G replaced by A.
Protein change: p.Arg105=; no amino-acid change (arginine 105 retained).
Molecular consequence: synonymous variant.
Genome position (GRCh38, 1-based): chr14:24,241,759, C>T on the plus strand (G>A on the coding strand, the complement: TINF2 is on the minus strand). VCF-style: chr14-24241759-C-T. GRCh37 (hg19) VCF-style: chr14-24710965-C-T.
Other names: c.210G>A, p.Arg70= (NM_001363668.2); c.315G>A, p.Arg105= (NM_012461.3).
Identifiers: ClinVar variation 696832 (VCV000696832.14), dbSNP rs773958161, ClinGen allele CA7130695.

ClinVar aggregate classification (germline): Likely benign. Review status: criteria provided, multiple submitters, no conflicts (2 of 4 stars). 4 submissions from 4 submitters: Likely benign (4). Last evaluated 2025-06-10.

Conditions:
Dyskeratosis congenita. Identifiers: Orphanet 1775, MedGen C0265965, MONDO:0015780.
Revesz syndrome. Also called: EXUDATIVE RETINOPATHY WITH BONE MARROW FAILURE; DYSKERATOSIS CONGENITA, AUTOSOMAL DOMINANT 5. Identifiers: Orphanet 3088, MedGen C1327916, MONDO:0009990, OMIM 268130.
Dyskeratosis congenita, autosomal dominant 3. Identifiers: MedGen C3151445, MONDO:0013522, OMIM 613990.

Allele frequency attached by ClinVar (database versions not stated): ExAC 0.00003; gnomAD exomes 0.00004; TOPMed 0.00011.

Submissions (4):

Labcorp Genetics (formerly Invitae), Labcorp
Classification: Likely benign for Dyskeratosis congenita. Last evaluated: 2025-06-10. Review status: criteria provided, single submitter. Criteria: Invitae Variant Classification Sherloc (09022015). Collection method: clinical testing. Allele origin: germline.

Ambry Genetics
Classification: Likely benign for Dyskeratosis congenita. Last evaluated: 2024-11-22. Review status: criteria provided, single submitter. Criteria: Ambry Variant Classification Scheme 2023. Collection method: clinical testing. Allele origin: germline.

Blueprint Genetics
Classification: Likely benign. Last evaluated: 2024-05-29. Review status: criteria provided, single submitter. Criteria: ACMG Guidelines, 2015. Collection method: clinical testing. Allele origin: germline.

Center for Genomics, Ann and Robert H. Lurie Children's Hospital of Chicago
Classification: Likely benign for Dyskeratosis congenita, autosomal dominant 3; Revesz syndrome. Review status: criteria provided, single submitter. Criteria: ACMG Guidelines, 2015. Collection method: clinical testing. Allele origin: germline.
Comment: This variant has not been reported in the literature but is present in the Genome Aggregation Database (Highest reported MAF 0.03% (5/15284). This variant is present in ClinVar (Variation ID:696832). Evolutionary conservation and computational predictive tools for this variant are limited or unavailable. Of note, this variant is a silent variant and does not change the amino acid, reducing the probability that this variant is disease causing. In summary, data on this variant suggests that this variant does not cause disease but requires further evidence. Therefore, this variant is classified as likely benign.